The following is an entry in ClinVar:

NM_001148.6(ANK2):c.1312G>T (p.Ala438Ser)

Gene: ANK2 (ankyrin 2; plus strand). Cytogenetic location: 4q26.
Variant type: single nucleotide variant.
Coding change: c.1312G>T on transcript NM_001148.6 (MANE Select); coding-DNA position 1312, G replaced by T.
Protein change: p.Ala438Ser; replaces alanine 438 with serine.
Molecular consequence: missense variant. On other transcripts: intron variant (5).
Genome position (GRCh38, 1-based): chr4:113,258,337, G>T. VCF-style: chr4-113258337-G-T. GRCh37 (hg19) VCF-style: chr4-114179493-G-T.
Other names: c.1249G>T, p.Ala417Ser (NM_001127493.3, NM_001354239.2, NM_001354243.2 and 14 more transcripts); c.1312G>T, p.Ala438Ser (NM_001354225.2, NM_001354228.2, NM_001354232.2 and 8 more transcripts); c.1357G>T, p.Ala453Ser (NM_001354230.2, NM_001354231.2, NM_001354237.2 and 5 more transcripts); c.1225G>T, p.Ala409Ser (NM_001354249.2, NM_001354260.2, NM_001354264.2 and 13 more transcripts); c.1270G>T, p.Ala424Ser (NM_001354261.2, NM_001386147.1, NM_001386160.1); c.1300G>T, p.Ala434Ser (NM_001386148.2, NM_001386186.2); c.1363G>T, p.Ala455Ser (NM_001386174.1); c.1339G>T, p.Ala447Ser (NM_001386175.1); and 4 more; short protein forms A417S, A424S, A453S, A455S, A434S, A438S, A447S, A409S.
Identifiers: ClinVar variation 4741048 (VCV004741048.1).

ClinVar aggregate classification (germline): Uncertain significance (1 of 4 stars; one submission).

Conditions:
Long QT syndrome (LQTS). Identifiers: MedGen C0023976, MeSH D008133, MONDO:0002442. Disease mechanism: loss of function. Inheritance: Various modes of inheritance.

gnomAD v4.1: 4 of 1,614,070 alleles (0.00025%); highest among the groups gnomAD compares: Non-Finnish European, 0.00034%; no homozygotes.

Submission:

Labcorp Genetics (formerly Invitae), Labcorp
Classification: Uncertain significance for Long QT syndrome. Last evaluated: 2025-04-29. Review status: criteria provided, single submitter. Criteria: Invitae Variant Classification Sherloc (09022015). Collection method: clinical testing. Allele origin: germline.
Comment: This sequence change replaces alanine, which is neutral and non-polar, with serine, which is neutral and polar, at codon 438 of the ANK2 protein (p.Ala438Ser). This variant is present in population databases (rs770948093, gnomAD 0.0009%). This variant has not been reported in the literature in individuals affected with ANK2-related conditions. Invitae Evidence Modeling of protein sequence and biophysical properties (such as structural, functional, and spatial information, amino acid conservation, physicochemical variation, residue mobility, and thermodynamic stability) indicates that this missense variant is not expected to disrupt ANK2 protein function with a negative predictive value of 80%. In summary, the available evidence is currently insufficient to determine the role of this variant in disease. Therefore, it has been classified as a Variant of Uncertain Significance.